The following is an entry in ClinVar:

ClinVar aggregate classification (germline): Likely pathogenic (1 of 4 stars; one submission).

Conditions:
Mucopolysaccharidosis, MPS-I-H/S. Also called: Mucopolysaccharidosis type IH/S. Identifiers: Orphanet 93476, MedGen C0086431, MONDO:0011759, OMIM 607015.

Submission:

Myriad Genetics, Inc.
Classification: Likely pathogenic for Mucopolysaccharidosis, MPS-I-H/S. Last evaluated: 2019-12-10. Review status: criteria provided, single submitter. Criteria: Myriad Women's Health Autosomal Recessive and X-Linked Classification Criteria (2019). Collection method: clinical testing. Allele origin: unknown.
Comment: NM_000203.3(IDUA):c.539G>A(W180*) is expected to be pathogenic in the context of mucopolysaccharidosis type I. This variant is predicted to lead to an abnormal or absent protein product due to the creation of a premature termination codon in IDUA, a gene where loss-of-function variants are known to be pathogenic. Please note: this variant was assessed in the context of healthy population screening.

NM_000203.5(IDUA):c.539G>A (p.Trp180Ter)

Gene: IDUA (alpha-L-iduronidase; plus strand). Cytogenetic location: 4p16.3.
Variant type: single nucleotide variant.
Coding change: c.539G>A on transcript NM_000203.5 (MANE Select); coding-DNA position 539, G replaced by A.
Protein change: p.Trp180Ter; replaces tryptophan 180 with a stop codon.
Molecular consequence: nonsense. On other transcripts: non-coding transcript variant (1).
Genome position (GRCh38, 1-based): chr4:1,001,513, G>A. VCF-style: chr4-1001513-G-A. GRCh37 (hg19) VCF-style: chr4-995301-G-A.
Other names: c.143G>A, p.Trp48Ter (NM_001363576.1); short protein forms W180*, W48*.
Identifiers: ClinVar variation 984181 (VCV000984181.3), dbSNP rs1044231895, ClinGen allele CA355961722.